The following is an entry in ClinVar:

ClinVar aggregate classification (germline): Pathogenic/Likely pathogenic. Review status: criteria provided, multiple submitters, no conflicts (2 of 4 stars). 2 submissions from 2 submitters: Pathogenic (1); Likely pathogenic (1). Last evaluated 2024-05-04.

Conditions:
Mucolipidosis type IV (ML4). Also called: ML IV. Identifiers: Orphanet 578, MedGen C0238286, MONDO:0009653, OMIM 252650.
Lisch epithelial corneal dystrophy (LECD). Also called: BAND-SHAPED AND WHORLED MICROCYSTIC CORNEAL EPITHELIAL DYSTROPHY. Identifiers: Orphanet 98955, MedGen C2749050, MONDO:0010425, OMIM 620763.

Allele frequency attached by ClinVar (database versions not stated): gnomAD exomes below 0.00001.
gnomAD v4.1: 1 of 1,614,246 alleles (0.000062%); highest among the groups gnomAD compares: Non-Finnish European, 0.000085%; no homozygotes.

Submissions (2):

Fulgent Genetics
Classification: Likely pathogenic for Mucolipidosis type IV; Lisch epithelial corneal dystrophy. Last evaluated: 2024-05-04. Review status: criteria provided, single submitter. Criteria: ACMG Guidelines, 2015. Collection method: clinical testing. Allele origin: germline.

Labcorp Genetics (formerly Invitae), Labcorp
Classification: Pathogenic for Mucolipidosis type IV. Last evaluated: 2022-05-21. Review status: criteria provided, single submitter. Criteria: Invitae Variant Classification Sherloc (09022015). Collection method: clinical testing. Allele origin: germline.
Comment: For these reasons, this variant has been classified as Pathogenic. This variant has not been reported in the literature in individuals affected with MCOLN1-related conditions. This variant is not present in population databases (gnomAD no frequency). This sequence change creates a premature translational stop signal (p.Trp335*) in the MCOLN1 gene. It is expected to result in an absent or disrupted protein product. Loss-of-function variants in MCOLN1 are known to be pathogenic (PMID: 11030752, 11317355).

Literature cited by the submitters: PubMed 11030752 (cited by Labcorp Genetics (formerly Invitae), Labcorp); PubMed 11317355 (cited by Labcorp Genetics (formerly Invitae), Labcorp).

NM_020533.3(MCOLN1):c.1005G>A (p.Trp335Ter)

Gene: MCOLN1 (mucolipin TRP cation channel 1; plus strand). Cytogenetic location: 19p13.2.
Variant type: single nucleotide variant.
Coding change: c.1005G>A on transcript NM_020533.3 (MANE Select); coding-DNA position 1005, G replaced by A.
Protein change: p.Trp335Ter; replaces tryptophan 335 with a stop codon.
Molecular consequence: nonsense.
Genome position (GRCh38, 1-based): chr19:7,528,841, G>A. VCF-style: chr19-7528841-G-A. GRCh37 (hg19) VCF-style: chr19-7593727-G-A.
Other names: short protein forms W335*.
Identifiers: ClinVar variation 1997684 (VCV001997684.5), dbSNP rs2512472276, ClinGen allele CA403085725.
Genomic context (GRCh38, chr19:7,528,841, plus strand): 5'-CTGTGCCTGGTCAGGCCCTCACCCCGCCTGCCTTCTGCAGGAGTTTGTGGGGTTCATGTG[G>A]CGGCAGCGGGGACGGGTCATCAGCCTGTGGGAGCGGCTGGAATTTGTCAATGGCTGGTAC-3'